The following is an entry in ClinVar:

NM_021930.6(RINT1):c.2140C>T (p.Pro714Ser)

Genes: EFCAB10 (EF-hand calcium binding domain 10; minus strand), RINT1 (RAD50 interactor 1; plus strand). Cytogenetic location: 7q22.3.
Variant type: single nucleotide variant.
Coding change: c.2140C>T on transcript NM_021930.6 (MANE Select); coding-DNA position 2140, C replaced by T.
Protein change: p.Pro714Ser; replaces proline 714 with serine.
Molecular consequence: missense variant. On other transcripts: non-coding transcript variant (1), intron variant (2).
Genome position (GRCh38, 1-based): chr7:105,565,602, C>T. VCF-style: chr7-105565602-C-T. GRCh37 (hg19) VCF-style: chr7-105206049-C-T.
Other names: c.397G>A, p.Gly133Arg (NM_001355530.2); c.1906C>T, p.Pro636Ser (NM_001346599.2); c.1117C>T, p.Pro373Ser (NM_001346600.2, NM_001346603.2); c.1216C>T, p.Pro406Ser (NM_001346601.2); c.360-155G>A (NM_001355531.2); c.384-155G>A (NM_001355526.2); short protein forms P373S, P406S, P636S, P714S, G133R.
Identifiers: ClinVar variation 3789195 (VCV003789195.1).

ClinVar aggregate classification (germline): Uncertain significance (1 of 4 stars; one submission).

Submission:

Ambry Genetics
Classification: Uncertain significance. Last evaluated: 2025-02-21. Review status: criteria provided, single submitter. Criteria: Ambry Variant Classification Scheme 2023. Collection method: clinical testing. Allele origin: germline.
Comment: The p.P714S variant (also known as c.2140C>T), located in coding exon 14 of the RINT1 gene, results from a C to T substitution at nucleotide position 2140. The proline at codon 714 is replaced by serine, an amino acid with similar properties. This amino acid position is conserved. In addition, this alteration is predicted to be deleterious by in silico analysis. Based on the available evidence, the clinical significance of this variant remains unclear.